The following is an entry in ClinVar:

NM_003900.5(SQSTM1):c.1149C>G (p.Tyr383Ter)

Gene: SQSTM1 (sequestosome 1; plus strand). Cytogenetic location: 5q35.3.
Variant type: single nucleotide variant.
Coding change: c.1149C>G on transcript NM_003900.5 (MANE Select); coding-DNA position 1149, C replaced by G.
Protein change: p.Tyr383Ter; replaces tyrosine 383 with a stop codon.
Molecular consequence: nonsense.
Genome position (GRCh38, 1-based): chr5:179,833,766, C>G. VCF-style: chr5-179833766-C-G. GRCh37 (hg19) VCF-style: chr5-179260766-C-G.
Other names: c.897C>G, p.Tyr299Ter (NM_001142298.2, NM_001142299.2); short protein forms Y299*, Y383*.
Identifiers: ClinVar variation 4759223 (VCV004759223.1).
Genomic context (GRCh38, chr5:179,833,766, plus strand): 5'-GCCAAGCTCTCTGGACCCCTCCCAGGAGGGACCCACAGGGCTGAAGGAAGCTGCCTTGTA[C>G]CCACATCTCCCGCCAGGCAAGTGAACCAAGAGGTTTTGTACATATTCCTACCTTTCCCTT-3'

ClinVar aggregate classification (germline): Pathogenic (1 of 4 stars; one submission).

Conditions:
Paget disease of bone 3. Identifiers: MedGen C4085252, MONDO:0008176, OMIM 167250.

Submission:

Variantyx, Inc.
Classification: Pathogenic for Paget disease of bone 3. Last evaluated: 2025-03-17. Review status: criteria provided, single submitter. Criteria: Variantyx Assertion Criteria 2022. Collection method: clinical testing. Allele origin: germline.
Comment: This is a nonsense variant in the SQSTM1 gene (OMIM: 601530). Pathogenic variants in this gene have been associated with autosomal dominant Paget disease of bone 3. This variant introduces a premature termination codon in exon 7 out of 8. It is expected to result in loss of function, which is a known disease mechanism for SQSTM1 in this disorder (PMID: 27545679, 29959261) (PVS1). This variant has been reported in at least 7 unrelated affected individuals (PMID: 20200946) (PS4_Moderate). This variant is absent from control populations (PM2_Supporting). Based on the current evidence, this variant is classified as pathogenic for autosomal dominant Paget disease of bone 3.